The following is an entry in ClinVar:

ClinVar aggregate classification (germline): Uncertain significance (1 of 4 stars; one submission).

Submission:

Labcorp Genetics (formerly Invitae), Labcorp
Classification: Uncertain significance. Last evaluated: 2026-01-26. Review status: criteria provided, single submitter. Criteria: Invitae Variant Classification Sherloc (09022015). Collection method: clinical testing. Allele origin: germline.
Comment: This sequence change replaces glycine, which is neutral and non-polar, with alanine, which is neutral and non-polar, at codon 543 of the POLR3B protein (p.Gly543Ala). This variant is not present in population databases (gnomAD no frequency). This variant has not been reported in the literature in individuals affected with POLR3B-related conditions. ClinVar contains an entry for this variant (Variation ID: 2967086). An algorithm developed to predict the effect of missense changes on protein structure and function (PolyPhen-2) suggests that this variant is likely to be disruptive. In summary, the available evidence is currently insufficient to determine the role of this variant in disease. Therefore, it has been classified as a Variant of Uncertain Significance.

NM_018082.6(POLR3B):c.1628G>C (p.Gly543Ala)

Gene: POLR3B (RNA polymerase III subunit B; plus strand). Cytogenetic location: 12q23.3.
Variant type: single nucleotide variant.
Coding change: c.1628G>C on transcript NM_018082.6 (MANE Select); coding-DNA position 1628, G replaced by C.
Protein change: p.Gly543Ala; replaces glycine 543 with alanine.
Molecular consequence: missense variant.
Genome position (GRCh38, 1-based): chr12:106,433,719, G>C. VCF-style: chr12-106433719-G-C. GRCh37 (hg19) VCF-style: chr12-106827497-G-C.
Other names: c.1454G>C, p.Gly485Ala (NM_001160708.2); short protein forms G485A, G543A.
Identifiers: ClinVar variation 2967086 (VCV002967086.3), dbSNP rs2542118106, ClinGen allele CA386390026.
Genomic context (GRCh38, chr12:106,433,719, plus strand): 5'-ATTAAATCAGGTTGCATTTATTTTTTATTTCTGTCTTACCTGTTCTTTCTTTTTGCCTAG[G>C]TAACATCTTAGGTGTCATTCGAGACCACAAAAAGCTAGTGAATACATTTCGACTCATGAG-3'
Protein context (NP_060552.4, residues 533-553): YPNVFLVFLN[Gly543Ala]NILGVIRDHK